The following is an entry in ClinVar:

ClinVar aggregate classification (germline): Uncertain significance (1 of 4 stars; one submission).

Conditions:
RYR1-related disorder. Also called: RYR1-related condition; RYR1-related disorders. Identifiers: MedGen CN239331.

Submission:

Labcorp Genetics (formerly Invitae), Labcorp
Classification: Uncertain significance for RYR1-related disorder. Last evaluated: 2022-11-15. Review status: criteria provided, single submitter. Criteria: Invitae Variant Classification Sherloc (09022015). Collection method: clinical testing. Allele origin: germline.
Comment: ClinVar contains an entry for this variant (Variation ID: 1493926). Advanced modeling of protein sequence and biophysical properties (such as structural, functional, and spatial information, amino acid conservation, physicochemical variation, residue mobility, and thermodynamic stability) performed at Invitae indicates that this missense variant is not expected to disrupt RYR1 protein function. In summary, the available evidence is currently insufficient to determine the role of this variant in disease. Therefore, it has been classified as a Variant of Uncertain Significance. This variant has not been reported in the literature in individuals affected with RYR1-related conditions. This sequence change replaces leucine, which is neutral and non-polar, with proline, which is neutral and non-polar, at codon 4355 of the RYR1 protein (p.Leu4355Pro). This variant is not present in population databases (gnomAD no frequency).

NM_000540.3(RYR1):c.13064T>C (p.Leu4355Pro)

Gene: RYR1 (ryanodine receptor 1; plus strand). Cytogenetic location: 19q13.2.
Variant type: single nucleotide variant.
Coding change: c.13064T>C on transcript NM_000540.3 (MANE Select); coding-DNA position 13064, T replaced by C.
Protein change: p.Leu4355Pro; replaces leucine 4355 with proline.
Molecular consequence: missense variant.
Genome position (GRCh38, 1-based): chr19:38,565,398, T>C. VCF-style: chr19-38565398-T-C. GRCh37 (hg19) VCF-style: chr19-39056038-T-C.
Other names: c.13049T>C, p.Leu4350Pro (NM_001042723.2); short protein forms L4350P, L4355P.
Identifiers: ClinVar variation 1493926 (VCV001493926.6), dbSNP rs2145845685, ClinGen allele CA405673303.